The following is an entry in ClinVar:

NM_015378.4(VPS13D):c.1043A>G (p.Asp348Gly)

Gene: VPS13D (vacuolar protein sorting 13 homolog D; plus strand). Cytogenetic location: 1p36.22.
Variant type: single nucleotide variant.
Coding change: c.1043A>G on transcript NM_015378.4 (MANE Select); coding-DNA position 1043, A replaced by G.
Protein change: p.Asp348Gly; replaces aspartic acid 348 with glycine.
Molecular consequence: missense variant.
Genome position (GRCh38, 1-based): chr1:12,258,036, A>G. VCF-style: chr1-12258036-A-G. GRCh37 (hg19) VCF-style: chr1-12318093-A-G.
Other names: c.1043A>G, p.Asp348Gly (NM_018156.4); c.1043A>G (NM_015378.2); short protein forms D348G.
Identifiers: ClinVar variation 1441793 (VCV001441793.8), dbSNP rs560759574, ClinGen allele CA601408.

ClinVar aggregate classification (germline): Uncertain significance. Review status: criteria provided, multiple submitters, no conflicts (2 of 4 stars). 2 submissions from 2 submitters: Uncertain significance (2). Last evaluated 2025-11-26.

Conditions:
Inborn genetic diseases. Identifiers: MedGen C0950123, MeSH D030342.

Allele frequency attached by ClinVar (database versions not stated): ExAC 0.00002; gnomAD 0.00002 and 0.00003; gnomAD exomes 0.00002; TOPMed 0.00004; 1000 Genomes Project 0.00020; 1000 Genomes Project 30x 0.00031.
gnomAD v4.1: 37 of 1,614,242 alleles (0.0023%); highest among the groups gnomAD compares: Middle Eastern, 0.049%; no homozygotes.

Submissions (2):

Ambry Genetics
Classification: Uncertain significance for Inborn genetic diseases. Last evaluated: 2025-11-26. Review status: criteria provided, single submitter. Criteria: Ambry Variant Classification Scheme 2023. Collection method: clinical testing. Allele origin: germline.

Labcorp Genetics (formerly Invitae), Labcorp
Classification: Uncertain significance. Last evaluated: 2025-08-15. Review status: criteria provided, single submitter. Criteria: Invitae Variant Classification Sherloc (09022015). Collection method: clinical testing. Allele origin: germline.
Comment: This sequence change replaces aspartic acid, which is acidic and polar, with glycine, which is neutral and non-polar, at codon 348 of the VPS13D protein (p.Asp348Gly). This variant is present in population databases (rs560759574, gnomAD 0.008%). This variant has not been reported in the literature in individuals affected with VPS13D-related conditions. ClinVar contains an entry for this variant (Variation ID: 1441793). Invitae Evidence Modeling of protein sequence and biophysical properties (such as structural, functional, and spatial information, amino acid conservation, physicochemical variation, residue mobility, and thermodynamic stability) indicates that this missense variant is expected to disrupt VPS13D protein function with a positive predictive value of 80%. In summary, the available evidence is currently insufficient to determine the role of this variant in disease. Therefore, it has been classified as a Variant of Uncertain Significance.